The following is an entry in ClinVar:

ClinVar aggregate classification (germline): Conflicting classifications of pathogenicity. Review status: criteria provided, conflicting classifications (1 of 4 stars). 3 submissions from 3 submitters: Uncertain significance (2); Likely benign (1). Last evaluated 2025-06-23.

Conditions:
Arrhythmogenic cardiomyopathy with wooly hair and keratoderma. Also called: PALMOPLANTAR KERATODERMA WITH LEFT VENTRICULAR CARDIOMYOPATHY AND WOOLLY HAIR; Carvajal syndrome; Dilated cardiomyopathy with woolly hair and keratoderma; Arrhythmogenic cardiomyopathy with woolly hair and keratoderma. Identifiers: Orphanet 65282, MedGen C1854063, MONDO:0011581, OMIM 605676.
Arrhythmogenic right ventricular dysplasia 8 (ARVD8). Also called: ARRHYTHMOGENIC RIGHT VENTRICULAR DYSPLASIA, FAMILIAL, 8; ARRHYTHMOGENIC RIGHT VENTRICULAR CARDIOMYOPATHY 8; Arrhythmogenic Right Ventricular Dysplasia/Cardiomyopathy 8. Identifiers: MedGen C1843896, MONDO:0011831, OMIM 607450.
Cardiomyopathy (CMYO). Also called: Cardiomyopathies. Identifiers: Orphanet 167848, MedGen C0878544, MONDO:0004994, HP:0001638. Inheritance: Various modes of inheritance.

Allele frequency attached by ClinVar (database versions not stated): gnomAD exomes below 0.00001; gnomAD 0.00002.
gnomAD v4.1: 4 of 1,613,860 alleles (0.00025%); highest among the groups gnomAD compares: Non-Finnish European, 0.00025%; no homozygotes.

Submissions (3):

Color Diagnostics, LLC DBA Color Health
Classification: Uncertain significance for Cardiomyopathy. Last evaluated: 2025-06-23. Review status: criteria provided, single submitter. Criteria: ACMG Guidelines, 2015. Collection method: clinical testing. Allele origin: germline.
Comment: This missense variant replaces glycine with cysteine at codon 169 of the DSP protein. Computational prediction suggests that this variant may not impact protein structure and function. To our knowledge, functional studies have not been reported for this variant. This variant has not been reported in individuals affected with DSP-related disorders in the literature. This variant has been identified in 4/31398 chromosomes in the general population by the Genome Aggregation Database (gnomAD). The available evidence is insufficient to determine the role of this variant in disease conclusively. Therefore, this variant is classified as a Variant of Uncertain Significance.

Labcorp Genetics (formerly Invitae), Labcorp
Classification: Likely benign for Arrhythmogenic cardiomyopathy with wooly hair and keratoderma; Arrhythmogenic right ventricular dysplasia 8. Last evaluated: 2024-11-11. Review status: criteria provided, single submitter. Criteria: Invitae Variant Classification Sherloc (09022015). Collection method: clinical testing. Allele origin: germline.

All of Us Research Program, National Institutes of Health
Classification: Uncertain significance for Arrhythmogenic cardiomyopathy with wooly hair and keratoderma. Last evaluated: 2023-06-28. Review status: criteria provided, single submitter. Criteria: ACMG Guidelines, 2015. Collection method: clinical testing. Allele origin: germline. Inheritance: Autosomal dominant inheritance. Observed: 1 variant allele, 1 heterozygote.
Comment: This study involves interpretation of variants in research participants for the purpose of population health screening. Participant phenotype was not available at the time of variant classification. Additional details can be found in publication PMID: 35346344, PMCID: PMC8962531

NM_004415.4(DSP):c.505G>T (p.Gly169Cys)

Gene: DSP (desmoplakin; plus strand). Cytogenetic location: 6p24.3.
Variant type: single nucleotide variant.
Coding change: c.505G>T on transcript NM_004415.4 (MANE Select); coding-DNA position 505, G replaced by T.
Protein change: p.Gly169Cys; replaces glycine 169 with cysteine.
Molecular consequence: missense variant.
Genome position (GRCh38, 1-based): chr6:7,559,308, G>T. VCF-style: chr6-7559308-G-T. GRCh37 (hg19) VCF-style: chr6-7559541-G-T.
Other names: c.505G>T, p.Gly169Cys (NM_001008844.3, NM_001319034.2, NM_001406591.1); short protein forms G169C.
Identifiers: ClinVar variation 3071757 (VCV003071757.4), dbSNP rs1184706017, ClinGen allele CA362672452.